The following is an entry in ClinVar:

ClinVar aggregate classification (germline): Likely pathogenic (1 of 4 stars; one submission).

Conditions:
Hereditary fructosuria. Also called: Hereditary fructose intolerance; ALDOB DEFICIENCY; ALDOLASE B DEFICIENCY; FRUCTOSE-1,6-BISPHOSPHATE ALDOLASE B DEFICIENCY; FRUCTOSE-1-PHOSPHATE ALDOLASE DEFICIENCY; FRUCTOSEMIA. Identifiers: Orphanet 469, MedGen C0016751, MONDO:0009249, OMIM 229600, HP:0005973. Disease mechanism: loss of function.

Submission:

Natera, Inc.
Classification: Likely pathogenic for Fructose intolerance. Last evaluated: 2025-05-30. Review status: criteria provided, single submitter. Criteria: Natera Variant Classification Schema (03/2026). Collection method: clinical testing. Allele origin: germline.
Comment: The c.148G>T variant in ALDOB is a nonsense variant predicted to introduce a stop codon at amino acid 50. This variant is expected to result in nonsense mediated decay, truncation, or a dysfunctional protein product. This variant is rare in the general population with a frequency below the threshold expected for the associated phenotype(s). Given the available evidence, this variant is classified as Likely Pathogenic.

NM_000035.4(ALDOB):c.148G>T (p.Glu50Ter)

Gene: ALDOB (aldolase, fructose-bisphosphate B; minus strand). Cytogenetic location: 9q31.1.
Variant type: single nucleotide variant.
Coding change: c.148G>T on transcript NM_000035.4 (MANE Select); coding-DNA position 148, G replaced by T.
Protein change: p.Glu50Ter; replaces glutamic acid 50 with a stop codon.
Molecular consequence: nonsense.
Genome position (GRCh38, 1-based): chr9:101,429,931, C>A on the plus strand (G>T on the coding strand, the complement: ALDOB is on the minus strand). VCF-style: chr9-101429931-C-A. GRCh37 (hg19) VCF-style: chr9-104192213-C-A.
Other names: short protein forms E50*.
Identifiers: ClinVar variation 4069871 (VCV004069871.2).